The following is an entry in ClinVar:

ClinVar aggregate classification (germline): Uncertain significance (1 of 4 stars; one submission).

gnomAD v4.1: 1 of 1,210,255 alleles (0.000083%); highest among the groups gnomAD compares: Non-Finnish European, 0.00011%; no homozygotes.

Submission:

GeneDx
Classification: Uncertain significance. Last evaluated: 2024-11-14. Review status: criteria provided, single submitter. Criteria: GeneDx Variant Classification Process June 2021. Collection method: clinical testing. Allele origin: germline. Affected: yes.
Comment: Not observed at significant frequency in large population cohorts (gnomAD); In silico analysis supports that this missense variant has a deleterious effect on protein structure/function; Has not been previously published as pathogenic or benign to our knowledge

NM_014009.4(FOXP3):c.892C>G (p.Pro298Ala)

Gene: FOXP3 (forkhead box P3; minus strand). Cytogenetic location: Xp11.23.
Variant type: single nucleotide variant.
Coding change: c.892C>G on transcript NM_014009.4 (MANE Select); coding-DNA position 892, C replaced by G.
Protein change: p.Pro298Ala; replaces proline 298 with alanine.
Molecular consequence: missense variant.
Genome position (GRCh38, 1-based): chrX:49,253,992, G>C on the plus strand (C>G on the coding strand, the complement: FOXP3 is on the minus strand). VCF-style: chrX-49253992-G-C. GRCh37 (hg19) VCF-style: chrX-49110453-G-C.
Other names: c.787C>G, p.Pro263Ala (NM_001114377.2); short protein forms P263A, P298A.
Identifiers: ClinVar variation 3899577 (VCV003899577.1).
Genomic context (GRCh38, chrX:49,253,992, plus strand): 5'-TTCCATGGCTACCCCACAGGTGCCTCCGGACAGCAAACAGGCTGTCAGGGGCCTCCCGGG[G>C]GCCAGACCAGGCTGGGACGACAGGGCCTTGGCTGCCAGCAGCTACGATGCAGCAGGAGCC-3'
Protein context (NP_054728.2, residues 288-308): QGPVVPAWSG[Pro298Ala]REAPDSLFAV